The following is an entry in ClinVar:

NM_000289.6(PFKM):c.589C>T (p.Gln197Ter)

Gene: PFKM (phosphofructokinase, muscle; plus strand). Cytogenetic location: 12q13.11.
Variant type: single nucleotide variant.
Coding change: c.589C>T on transcript NM_000289.6 (MANE Select); coding-DNA position 589, C replaced by T.
Protein change: p.Gln197Ter; replaces glutamine 197 with a stop codon.
Molecular consequence: nonsense. On other transcripts: non-coding transcript variant (6).
Genome position (GRCh38, 1-based): chr12:48,133,476, C>T. VCF-style: chr12-48133476-C-T. GRCh37 (hg19) VCF-style: chr12-48527259-C-T.
Other names: c.802C>T, p.Gln268Ter (NM_001166686.2, NM_001354737.1, NM_001354738.1 and 1 more transcripts); c.589C>T, p.Gln197Ter (NM_001166687.2, NM_001166688.2, NM_001354742.2 and 4 more transcripts); c.898C>T, p.Gln300Ter (NM_001354735.1, NM_001354736.1); c.733C>T, p.Gln245Ter (NM_001354740.1); c.613C>T, p.Gln205Ter (NM_001354741.2); c.502C>T, p.Gln168Ter (NM_001354745.2); c.439C>T, p.Gln147Ter (NM_001354747.2, NM_001354748.2); short protein forms Q168*, Q245*, Q197*, Q268*, Q147*, Q205*, Q300*.
Identifiers: ClinVar variation 2824187 (VCV002824187.3), dbSNP rs2498315567, ClinGen allele CA384543807.
Genomic context (GRCh38, chr12:48,133,476, plus strand): 5'-GGCACTGACTCTGCCCTGCATCGGATCATGGAAATTGTAGATGCCATCACTACCACTGCC[C>T]AGAGGTAAGGGGACTTGGGAGGTAGGCAGTGTAAGAAGATGGCAGCTAGGACAGGCTAAA-3'

ClinVar aggregate classification (germline): Pathogenic (1 of 4 stars; one submission).

Conditions:
Glycogen storage disease, type VII (GSD7). Also called: GSD VII; MUSCLE PHOSPHOFRUCTOKINASE DEFICIENCY; PFKM DEFICIENCY; TARUI DISEASE. Identifiers: Orphanet 371, MedGen C0017926, MONDO:0009295, OMIM 232800.

Submission:

Labcorp Genetics (formerly Invitae), Labcorp
Classification: Pathogenic for Glycogen storage disease, type VII. Last evaluated: 2023-06-03. Review status: criteria provided, single submitter. Criteria: Invitae Variant Classification Sherloc (09022015). Collection method: clinical testing. Allele origin: germline.
Comment: For these reasons, this variant has been classified as Pathogenic. This variant has not been reported in the literature in individuals affected with PFKM-related conditions. This variant is not present in population databases (gnomAD no frequency). This sequence change creates a premature translational stop signal (p.Gln197*) in the PFKM gene. It is expected to result in an absent or disrupted protein product. Loss-of-function variants in PFKM are known to be pathogenic (PMID: 7825568, 8037209).

Literature cited by the submitters: PubMed 7825568; PubMed 8037209.